The following is an entry in ClinVar:

ClinVar aggregate classification (germline): Uncertain significance. Review status: criteria provided, single submitter (1 of 4 stars). 2 submissions from 2 submitters: Uncertain significance (1). 1 of the submissions does not count toward it. Last evaluated 2022-09-07.

Conditions:
VPS13B-related disorder. Also called: VPS13B-related condition.
Cohen syndrome (COH1). Also called: Cutis verticis gyrata, retinitis pigmentosa, and sensorineural deafness; PEPPER SYNDROME. Identifiers: Orphanet 193, MedGen C0265223, MONDO:0008999, OMIM 216550.

Allele frequency attached by ClinVar (database versions not stated): gnomAD exomes below 0.00001 and 0.00002; ExAC 0.00001; gnomAD 0.00003 and 0.00004; TOPMed 0.00003.

Submissions (2):

Labcorp Genetics (formerly Invitae), Labcorp
Classification: Uncertain significance for Cohen syndrome. Last evaluated: 2022-09-07. Review status: criteria provided, single submitter. Criteria: Invitae Variant Classification Sherloc (09022015). Collection method: clinical testing. Allele origin: germline.
Comment: This sequence change replaces methionine with valine at codon 1179 of the VPS13B protein (p.Met1179Val). The methionine residue is moderately conserved and there is a small physicochemical difference between methionine and valine. This variant is present in population databases (rs764040349, gnomAD 0.003%). This variant has not been reported in the literature in individuals affected with VPS13B-related conditions. ClinVar contains an entry for this variant (Variation ID: 1420196). Algorithms developed to predict the effect of missense changes on protein structure and function are either unavailable or do not agree on the potential impact of this missense change (SIFT: "Not Available"; PolyPhen-2: "Benign"; Align-GVGD: "Not Available"). Algorithms developed to predict the effect of sequence changes on RNA splicing suggest that this variant may create or strengthen a splice site. In summary, the available evidence is currently insufficient to determine the role of this variant in disease. Therefore, it has been classified as a Variant of Uncertain Significance.

PreventionGenetics, part of Exact Sciences
Classification: Uncertain significance for VPS13B-related condition. Last evaluated: 2024-09-16. Review status: no assertion criteria provided. Collection method: clinical testing. Allele origin: germline. Not counted in ClinVar's aggregate classification.
Comment: The VPS13B c.3535A>G variant is predicted to result in the amino acid substitution p.Met1179Val. To our knowledge, this variant has not been reported in the literature. This variant is reported in 0.0033% of alleles in individuals of South Asian descent in gnomAD. At this time, the clinical significance of this variant is uncertain due to the absence of conclusive functional and genetic evidence.

NM_152564.5(VPS13B):c.3535A>G (p.Met1179Val)

Gene: VPS13B (vacuolar protein sorting 13 homolog B; plus strand). Cytogenetic location: 8q22.2.
Variant type: single nucleotide variant.
Coding change: c.3535A>G on transcript NM_152564.5 (MANE Select); coding-DNA position 3535, A replaced by G.
Protein change: p.Met1179Val; replaces methionine 1179 with valine.
Molecular consequence: missense variant.
Genome position (GRCh38, 1-based): chr8:99,467,503, A>G. VCF-style: chr8-99467503-A-G. GRCh37 (hg19) VCF-style: chr8-100479731-A-G.
Other names: c.3535A>G (NM_152564.4); c.3535A>G, p.Met1179Val (NM_017890.5); short protein forms M1179V.
Identifiers: ClinVar variation 1420196 (VCV001420196.4), dbSNP rs764040349, ClinGen allele CA4823268.